The following is an entry in ClinVar:

NM_000393.5(COL5A2):c.3395A>G (p.Asp1132Gly)

Gene: COL5A2 (collagen type V alpha 2 chain; minus strand). Cytogenetic location: 2q32.2.
Variant type: single nucleotide variant.
Coding change: c.3395A>G on transcript NM_000393.5 (MANE Select); coding-DNA position 3395, A replaced by G.
Protein change: p.Asp1132Gly; replaces aspartic acid 1132 with glycine.
Molecular consequence: missense variant.
Genome position (GRCh38, 1-based): chr2:189,043,227, T>C on the plus strand (A>G on the coding strand, the complement: COL5A2 is on the minus strand). VCF-style: chr2-189043227-T-C. GRCh37 (hg19) VCF-style: chr2-189907953-T-C.
Other names: short protein forms D1132G.
Identifiers: ClinVar variation 2096735 (VCV002096735.4), dbSNP rs781112304, ClinGen allele CA2022004.

ClinVar aggregate classification (germline): Uncertain significance (1 of 4 stars; one submission).

Conditions:
Ehlers-Danlos syndrome, classic type, 1 (EDSCL1). Also called: EHLERS-DANLOS SYNDROME, GRAVIS TYPE; EHLERS-DANLOS SYNDROME, SEVERE CLASSIC TYPE; Ehlers-Danlos syndrome, type 1; EDS I; Ehlers-Danlos Syndrome, Classic Type, COL5A1-Related. Identifiers: MedGen C0268335, MONDO:0019567, OMIM 130000.

Allele frequency attached by ClinVar (database versions not stated): gnomAD exomes below 0.00001; TOPMed below 0.00001; ExAC 0.00001.
gnomAD v4.1: 1 of 1,613,864 alleles (0.000062%); highest among the groups gnomAD compares: Admixed American, 0.0017%; no homozygotes.

Submission:

Labcorp Genetics (formerly Invitae), Labcorp
Classification: Uncertain significance for Ehlers-Danlos syndrome, classic type, 1. Last evaluated: 2025-11-17. Review status: criteria provided, single submitter. Criteria: Invitae Variant Classification Sherloc (09022015). Collection method: clinical testing. Allele origin: germline.
Comment: This sequence change replaces aspartic acid, which is acidic and polar, with glycine, which is neutral and non-polar, at codon 1132 of the COL5A2 protein (p.Asp1132Gly). This variant is present in population databases (rs781112304, gnomAD 0.003%). This variant has not been reported in the literature in individuals affected with COL5A2-related conditions. ClinVar contains an entry for this variant (Variation ID: 2096735). Invitae Evidence Modeling of protein sequence and biophysical properties (such as structural, functional, and spatial information, amino acid conservation, physicochemical variation, residue mobility, and thermodynamic stability) indicates that this missense variant is not expected to disrupt COL5A2 protein function with a negative predictive value of 80%. In summary, the available evidence is currently insufficient to determine the role of this variant in disease. Therefore, it has been classified as a Variant of Uncertain Significance.